The following is an entry in ClinVar:

NM_153816.6(SNX14):c.739C>G (p.Leu247Val)

Gene: SNX14 (sorting nexin 14; minus strand). Cytogenetic location: 6q14.3.
Variant type: single nucleotide variant.
Coding change: c.739C>G on transcript NM_153816.6 (MANE Select); coding-DNA position 739, C replaced by G.
Protein change: p.Leu247Val; replaces leucine 247 with valine.
Molecular consequence: missense variant. On other transcripts: 5 prime UTR variant (7), non-coding transcript variant (6), intron variant (2).
Genome position (GRCh38, 1-based): chr6:85,549,775, G>C on the plus strand (C>G on the coding strand, the complement: SNX14 is on the minus strand). VCF-style: chr6-85549775-G-C. GRCh37 (hg19) VCF-style: chr6-86259493-G-C.
Other names: c.739C>G, p.Leu247Val (NM_001297614.3, NM_001350540.2, NM_001350541.2); c.583C>G, p.Leu195Val (NM_001304479.2); c.802C>G, p.Leu268Val (NM_001350532.2); c.736C>G, p.Leu246Val (NM_001350533.2, NM_001350534.2, NM_001350535.2); c.607C>G, p.Leu203Val (NM_001350536.2, NM_020468.6); c.604C>G, p.Leu202Val (NM_001350537.2); c.580C>G, p.Leu194Val (NM_001350539.2); c.451C>G, p.Leu151Val (NM_001350542.2); and 7 more; short protein forms L150V, L151V, L194V, L195V, L202V, L203V, L246V, L247V.
Identifiers: ClinVar variation 3377749 (VCV003377749.2).
Genomic context (GRCh38, chr6:85,549,775, plus strand): 5'-TTTTATACCTGCAGTCTGTTGCTTTAGGAGGCAAAATATAAGGAAAAAGCAGTTCAGTAA[G>C]TTTCCTTAAATAGTGCAATTCATCTCTTCGACTTCTCAAAGCAACATGAAGCTCTGGACC-3'
Protein context (NP_722523.1, residues 237-257): RRDELHYLRK[Leu247Val]TELLFPYILP

ClinVar aggregate classification (germline): Conflicting classifications of pathogenicity. Review status: criteria provided, conflicting classifications (1 of 4 stars). 2 submissions from 2 submitters: Uncertain significance (1); Likely benign (1). Last evaluated 2025-08-31.

Conditions:
Autosomal recessive spinocerebellar ataxia 20. Identifiers: Orphanet 397709, MedGen C5190595, MONDO:0014601, OMIM 616354.

gnomAD v4.1: 250 of 1,613,888 alleles (0.015%); highest among the groups gnomAD compares: South Asian, 0.25%; 2 homozygotes.

Submissions (2):

Labcorp Genetics (formerly Invitae), Labcorp
Classification: Likely benign. Last evaluated: 2025-08-31. Review status: criteria provided, single submitter. Criteria: Invitae Variant Classification Sherloc (09022015). Collection method: clinical testing. Allele origin: germline.

Neuberg Centre For Genomic Medicine, NCGM
Classification: Uncertain significance for Autosomal recessive spinocerebellar ataxia 20. Review status: criteria provided, single submitter. Criteria: ACMG Guidelines, 2015. Collection method: clinical testing. Allele origin: germline. Inheritance: Autosomal recessive inheritance. Affected: yes.
Comment: The observed missense c.739C>G(p.Leu247Val) variant in SNX14 gene has not been reported previously as a pathogenic variant nor as a benign variant, to our knowledge. This variant is present with an allele frequency of 0.03% in gnomAD Exomes database. This variant has not been submitted to the ClinVar database. Multiple lines of computational evidence (Polyphen - Probably Damaging , SIFT - Damaging and MutationTaster - Disease causing) predict damaging effect on protein structure and function for this variant. The reference amino acid in SNX14 is predicted as conserved by GERP++ and PhyloP across 100 vertebrates. The amino acid Leu at position 247 is changed to a Val changing protein sequence and it might alter its composition and physico-chemical properties. For these reasons, this variant has been classified as Uncertain Significance (VUS).